The following is an entry in ClinVar:

ClinVar aggregate classification (germline): Uncertain significance (1 of 4 stars; one submission).

Submission:

CeGaT Center for Human Genetics Tuebingen
Classification: Uncertain significance. Last evaluated: 2023-06-01. Review status: criteria provided, single submitter. Criteria: CeGaT Center For Human Genetics Tuebingen Variant Classification Criteria Version 2. Collection method: clinical testing. Allele origin: germline. Affected: yes. Observed: 1 variant allele.
Comment: GRIN2A: PM2

NM_001134407.3(GRIN2A):c.3670T>A (p.Tyr1224Asn)

Gene: GRIN2A (glutamate ionotropic receptor NMDA type subunit 2A; minus strand). Cytogenetic location: 16p13.2.
Variant type: single nucleotide variant.
Coding change: c.3670T>A on transcript NM_001134407.3 (MANE Select); coding-DNA position 3670, T replaced by A.
Protein change: p.Tyr1224Asn; replaces tyrosine 1224 with asparagine.
Molecular consequence: missense variant.
Genome position (GRCh38, 1-based): chr16:9,763,874, A>T on the plus strand (T>A on the coding strand, the complement: GRIN2A is on the minus strand). VCF-style: chr16-9763874-A-T. GRCh37 (hg19) VCF-style: chr16-9857731-A-T.
Other names: c.3670T>A, p.Tyr1224Asn (NM_000833.5, NM_001134408.2); short protein forms Y1224N.
Identifiers: ClinVar variation 2646195 (VCV002646195.24), dbSNP rs2505964654, ClinGen allele CA394707122.